The following is an entry in ClinVar:

ClinVar aggregate classification (germline): Uncertain significance (1 of 4 stars; one submission).

Conditions:
Cardiovascular phenotype. Identifiers: MedGen CN230736.

Submission:

Ambry Genetics
Classification: Uncertain significance for Cardiovascular phenotype. Last evaluated: 2025-12-01. Review status: criteria provided, single submitter. Criteria: Ambry Variant Classification Scheme 2023. Collection method: clinical testing. Allele origin: germline.
Comment: The p.R27Q variant (also known as c.80G>A), located in coding exon 1 of the SNTA1 gene, results from a G to A substitution at nucleotide position 80. The arginine at codon 27 is replaced by glutamine, an amino acid with highly similar properties. This amino acid position is conserved. In addition, this alteration is predicted to be tolerated by in silico analysis. Based on the available evidence, the clinical significance of this variant remains unclear.

NM_003098.3(SNTA1):c.80G>A (p.Arg27Gln)

Genes: SNTA1 (syntrophin alpha 1; minus strand), LOC130065680 (ATAC-STARR-seq lymphoblastoid silent region 12812; plus strand). Cytogenetic location: 20q11.21.
Variant type: single nucleotide variant.
Coding change: c.80G>A on transcript NM_003098.3 (MANE Select); coding-DNA position 80, G replaced by A.
Protein change: p.Arg27Gln; replaces arginine 27 with glutamine.
Molecular consequence: missense variant.
Genome position (GRCh38, 1-based): chr20:33,443,541, C>T on the plus strand (G>A on the coding strand, the complement: SNTA1 is on the minus strand). VCF-style: chr20-33443541-C-T. GRCh37 (hg19) VCF-style: chr20-32031347-C-T.
Other names: c.80G>A, p.Arg27Gln (NM_001424413.1, NM_001424414.1); short protein forms R27Q.
Identifiers: ClinVar variation 4614958 (VCV004614958.1).
Genomic context (GRCh38, chr20:33,443,541, plus strand): 5'-CCGTCGGCGGGGCTCACGGTCAGCACGTCCTCCGCCAGACTCAGCAGCACCCGCTGCCAT[C>T]GCTCGCCGCCGGCCCCCGAGCCCGCCCCGGCGCGCAGCTCCAGCAGCCCGGTGCGCGGGG-3'
Protein context (NP_003089.1, residues 17-37): AGAGSGAGGE[Arg27Gln]WQRVLLSLAE